The following is an entry in ClinVar:

NM_001348323.3(TRIP12):c.4990A>G (p.Lys1664Glu)

Gene: TRIP12 (thyroid hormone receptor interactor 12; minus strand). Cytogenetic location: 2q36.3.
Variant type: single nucleotide variant.
Coding change: c.4990A>G on transcript NM_001348323.3 (MANE Select); coding-DNA position 4990, A replaced by G.
Protein change: p.Lys1664Glu; replaces lysine 1664 with glutamic acid.
Molecular consequence: missense variant.
Genome position (GRCh38, 1-based): chr2:229,787,510, T>C on the plus strand (A>G on the coding strand, the complement: TRIP12 is on the minus strand). VCF-style: chr2-229787510-T-C. GRCh37 (hg19) VCF-style: chr2-230652226-T-C.
Other names: c.4909A>G, p.Lys1637Glu (NM_001284214.2, NM_001348315.2); c.4864A>G, p.Lys1622Glu (NM_001284215.2, NM_001348316.2); c.3955A>G, p.Lys1319Glu (NM_001284216.2); c.4849A>G, p.Lys1617Glu (NM_001348317.1, NM_001348318.2); c.4975A>G, p.Lys1659Glu (NM_001348319.1, NM_001348320.2); c.4978A>G, p.Lys1660Glu (NM_001348321.1); c.4990A>G, p.Lys1664Glu (NM_001348322.1, NM_001348324.2, NM_001348325.2 and 2 more transcripts); c.4993A>G, p.Lys1665Glu (NM_001348328.1, NM_001348329.2, NM_001348330.2); and 4 more; short protein forms K1319E, K1589E, K1590E, K1617E, K1622E, K1630E, K1637E, K1638E.
Identifiers: ClinVar variation 4072478 (VCV004072478.1).

ClinVar aggregate classification (germline): Uncertain significance (1 of 4 stars; one submission).

Submission:

GeneDx
Classification: Uncertain significance. Last evaluated: 2025-01-31. Review status: criteria provided, single submitter. Criteria: GeneDx Variant Classification Process June 2021. Collection method: clinical testing. Allele origin: germline. Affected: yes.
Comment: Not observed at significant frequency in large population cohorts (gnomAD); In silico analysis supports that this missense variant does not alter protein structure/function; Has not been previously published as pathogenic or benign to our knowledge